The following is an entry in ClinVar:

NM_000038.6(APC):c.-19+512G>A

Gene: APC (APC regulator of WNT signaling pathway; plus strand). Cytogenetic location: 5q22.2.
Variant type: single nucleotide variant.
Coding change: c.-19+512G>A on transcript NM_000038.6 (MANE Select); 512 bases into the intron after 19 bases upstream of the start codon, G replaced by A.
Molecular consequence: intron variant. On other transcripts: 5 prime UTR variant (1), missense variant (2).
Genome position (GRCh38, 1-based): chr5:112,738,437, G>A. VCF-style: chr5-112738437-G-A. GRCh37 (hg19) VCF-style: chr5-112074134-G-A.
Other names: c.-42G>A (NM_001127510.3); c.37G>A, p.Asp13Asn (NM_001354898.2, NM_001354904.2); c.-18-16436G>A (NM_001354895.2); c.166-27889G>A (NM_001354897.2, NM_001354902.2, NM_001127511.3); c.-1054+512G>A (NM_001354906.2); c.-19+512G>A (NM_001354896.2, NM_001354903.2, NM_001354899.2); c.-43+512G>A (NM_001354900.2, NM_001354901.2, NM_001354905.2); c.37G>A (NM_001354904.1); short protein forms D13N.
Identifiers: ClinVar variation 136412 (VCV000136412.4), dbSNP rs550306841, ClinGen allele CA006529.
Genomic context (GRCh38, chr5:112,738,437, plus strand): 5'-AGAGAGGAGACAAAACCGCTGCAGATGGCTGATGTGAATCTAGTGGAAAGAGCTACTGGG[G>A]ATGAGAGAAAGAGGAGGAGGCAGGTACTGCAGAGCGTGAGTGGTGGTGTTGGTTGGTGAA-3'

ClinVar aggregate classification (germline): Benign/Likely benign. Review status: criteria provided, multiple submitters, no conflicts (2 of 4 stars). 3 submissions from 3 submitters: Benign (1); Likely benign (1). 1 of the submissions does not count toward it. Last evaluated 2023-11-22.

Conditions:
APC-related disorder. Also called: APC-related condition.

Allele frequency attached by ClinVar (database versions not stated): gnomAD 0.00167 and 0.00176; 1000 Genomes Project 30x 0.00094; 1000 Genomes Project 0.00100; TOPMed 0.00164.
gnomAD v4.1: 367 of 985,928 alleles (0.037%); highest among the groups gnomAD compares: African/African-American, 0.61%; 4 homozygotes.

Submissions (3):

ARUP Laboratories, Molecular Genetics and Genomics, ARUP Laboratories
Classification: Likely benign. Last evaluated: 2023-11-22. Review status: criteria provided, single submitter. Criteria: ARUP Molecular Germline Variant Investigation Process 2024. Collection method: clinical testing. Allele origin: germline.

GeneDx
Classification: Benign. Last evaluated: 2014-02-04. Review status: criteria provided, single submitter. Criteria: GeneDx Variant Classification (06012015). Collection method: clinical testing. Allele origin: germline. Affected: yes.
Comment: This variant is considered likely benign or benign based on one or more of the following criteria: it is a conservative change, it occurs at a poorly conserved position in the protein, it is predicted to be benign by multiple in silico algorithms, and/or has population frequency not consistent with disease.

PreventionGenetics, part of Exact Sciences
Classification: Benign for APC-related condition. Last evaluated: 2019-11-26. Review status: no assertion criteria provided. Collection method: clinical testing. Allele origin: germline. Not counted in ClinVar's aggregate classification.
Comment: This variant is classified as benign based on ACMG/AMP sequence variant interpretation guidelines (Richards et al. 2015 PMID: 25741868, with internal and published modifications).